The following is an entry in ClinVar:

ClinVar aggregate classification (germline): Uncertain significance (1 of 4 stars; one submission).

Conditions:
Fanconi anemia (FA). Also called: Fanconi's anemia. Identifiers: Orphanet 84, MedGen C0015625, MeSH D005199, MONDO:0019391.

Submission:

Labcorp Genetics (formerly Invitae), Labcorp
Classification: Uncertain significance for Fanconi anemia. Last evaluated: 2024-05-02. Review status: criteria provided, single submitter. Criteria: Invitae Variant Classification Sherloc (09022015). Collection method: clinical testing. Allele origin: germline.
Comment: This sequence change replaces lysine, which is basic and polar, with methionine, which is neutral and non-polar, at codon 662 of the SLX4 protein (p.Lys662Met). This variant is not present in population databases (gnomAD no frequency). This variant has not been reported in the literature in individuals affected with SLX4-related conditions. An algorithm developed to predict the effect of missense changes on protein structure and function (PolyPhen-2) suggests that this variant is likely to be disruptive. In summary, the available evidence is currently insufficient to determine the role of this variant in disease. Therefore, it has been classified as a Variant of Uncertain Significance.

NM_032444.4(SLX4):c.1985A>T (p.Lys662Met)

Gene: SLX4 (SLX4 structure-specific endonuclease subunit; minus strand). Cytogenetic location: 16p13.3.
Variant type: single nucleotide variant.
Coding change: c.1985A>T on transcript NM_032444.4 (MANE Select); coding-DNA position 1985, A replaced by T.
Protein change: p.Lys662Met; replaces lysine 662 with methionine.
Molecular consequence: missense variant.
Genome position (GRCh38, 1-based): chr16:3,595,633, T>A on the plus strand (A>T on the coding strand, the complement: SLX4 is on the minus strand). VCF-style: chr16-3595633-T-A. GRCh37 (hg19) VCF-style: chr16-3645634-T-A.
Other names: short protein forms K662M.
Identifiers: ClinVar variation 3641825 (VCV003641825.2).